The following is an entry in ClinVar:

ClinVar aggregate classification (germline): Uncertain significance (1 of 4 stars; one submission).

Conditions:
Hereditary cancer-predisposing syndrome. Also called: Neoplastic Syndromes, Hereditary; Tumor predisposition; Hereditary Cancer Syndrome; Hereditary neoplastic syndrome. Identifiers: Orphanet 140162, MedGen C0027672, MeSH D009386, MONDO:0015356.

Allele frequency attached by ClinVar (database versions not stated): gnomAD exomes below 0.00001.

Submission:

Ambry Genetics
Classification: Uncertain significance for Hereditary cancer-predisposing syndrome. Last evaluated: 2025-06-12. Review status: criteria provided, single submitter. Criteria: Ambry Variant Classification Scheme 2023. Collection method: clinical testing. Allele origin: germline.
Comment: The p.N588H variant (also known as c.1762A>C), located in coding exon 11 of the NBN gene, results from an A to C substitution at nucleotide position 1762. The asparagine at codon 588 is replaced by histidine, an amino acid with similar properties. This variant was not reported in population based cohorts in the following databases: Database of Single Nucleotide Polymorphisms (dbSNP), NHLBI Exome Sequencing Project (ESP), and 1000 Genomes Project. In the ESP, this variant was not observed in 6502 samples (13004 alleles) with coverage at this position. To date, this alteration has been detected with an allele frequency of approximately 0.001% (greater than 120000 alleles tested) in our clinical cohort. This amino acid position is not well conserved in available vertebrate species. In addition, this alteration is predicted to be tolerated by in silico analysis. Since supporting evidence is limited at this time, the clinical significance of p.N588H remains unclear.

NM_002485.5(NBN):c.1762A>C (p.Asn588His)

Gene: NBN (nibrin; minus strand). Cytogenetic location: 8q21.3.
Variant type: single nucleotide variant.
Coding change: c.1762A>C on transcript NM_002485.5 (MANE Select); coding-DNA position 1762, A replaced by C.
Protein change: p.Asn588His; replaces asparagine 588 with histidine.
Molecular consequence: missense variant.
Genome position (GRCh38, 1-based): chr8:89,953,327, T>G on the plus strand (A>C on the coding strand, the complement: NBN is on the minus strand). VCF-style: chr8-89953327-T-G. GRCh37 (hg19) VCF-style: chr8-90965555-T-G.
Other names: c.1516A>C, p.Asn506His (NM_001024688.3); short protein forms N588H, N506H.
Identifiers: ClinVar variation 921302 (VCV000921302.7), dbSNP rs1810527107, ClinGen allele CA371655148.
Genomic context (GRCh38, chr8:89,953,327, plus strand): 5'-CTGCTTCATCACTGAAAGTGTCATTTGTTTCTATATCCATCCTTGGCCTTTTTCTAACAT[T>G]GACATCTTCCTCCTGTTTTTGAACTTTCACATCAATTTCTAACTCTGGTTTTGTGTCCTT-3'
Protein context (NP_002476.2, residues 578-598): VKVQKQEEDV[Asn588His]VRKRPRMDIE